The following is an entry in ClinVar:

ClinVar aggregate classification (germline): Uncertain significance (1 of 4 stars; one submission).

Allele frequency attached by ClinVar (database versions not stated): gnomAD exomes below 0.00001; TOPMed below 0.00001; ExAC 0.00001; gnomAD 0.00001; ESP Exome Variant Server 0.00008.
gnomAD v4.1: 8 of 1,613,988 alleles (0.0005%); highest among the groups gnomAD compares: Admixed American, 0.0067%; no homozygotes.

Submission:

GeneDx
Classification: Uncertain significance. Last evaluated: 2023-02-28. Review status: criteria provided, single submitter. Criteria: GeneDx Variant Classification Process June 2021. Collection method: clinical testing. Allele origin: germline. Affected: yes.
Comment: Not observed at significant frequency in large population cohorts (gnomAD); In silico analysis supports that this missense variant does not alter protein structure/function; Has not been previously published as pathogenic or benign to our knowledge

NM_024876.4(COQ8B):c.316G>A (p.Val106Ile)

Gene: COQ8B (coenzyme Q8B; minus strand). Cytogenetic location: 19q13.2.
Variant type: single nucleotide variant.
Coding change: c.316G>A on transcript NM_024876.4 (MANE Select); coding-DNA position 316, G replaced by A.
Protein change: p.Val106Ile; replaces valine 106 with isoleucine.
Molecular consequence: missense variant.
Genome position (GRCh38, 1-based): chr19:40,710,110, C>T on the plus strand (G>A on the coding strand, the complement: COQ8B is on the minus strand). VCF-style: chr19-40710110-C-T. GRCh37 (hg19) VCF-style: chr19-41216015-C-T.
Other names: c.316G>A, p.Val106Ile (NM_001142555.3); short protein forms V106I.
Identifiers: ClinVar variation 2442656 (VCV002442656.1), dbSNP rs377240527, ClinGen allele CA9450460.
Genomic context (GRCh38, chr19:40,710,110, plus strand): 5'-CTCACTCACCTGACTGCAGACGACCTCCTGGCATGGACTTCTTAGCCATCTCGGCCAGTA[C>T]TCCTAGCCCCAAGCCCACAGCCAGTCCTGGAGTGCAAGAGAAGAACATGAGTGCCCGTTT-3'
Protein context (NP_079152.3, residues 96-116): GGLAVGLGLG[Val106Ile]LAEMAKKSMP